The following is an entry in ClinVar:

ClinVar aggregate classification (germline): Conflicting classifications of pathogenicity. Review status: criteria provided, conflicting classifications (1 of 4 stars). 7 submissions from 7 submitters: Uncertain significance (2); Likely benign (5). Last evaluated 2025-12-18.

Conditions:
Bardet-Biedl syndrome (BBS). Identifiers: Orphanet 110, MedGen C0752166, MONDO:0015229.
WDPCP-related disorder. Also called: WDPCP-related condition.
Bardet-Biedl syndrome 15 (BBS15). Identifiers: Orphanet 110, MedGen C3150127, MONDO:0014443, OMIM 615992.
Heart defect - tongue hamartoma - polysyndactyly syndrome. Also called: Congenital heart defects, hamartomas of tongue, and polysyndactyly. Identifiers: Orphanet 1338, MedGen C1857587, MONDO:0009008, OMIM 217085.

Allele frequency attached by ClinVar (database versions not stated): 1000 Genomes Project 30x 0.00016; 1000 Genomes Project 0.00020; TOPMed 0.00020; ESP Exome Variant Server 0.00026; gnomAD 0.00039 and 0.00042; gnomAD exomes 0.00039; ExAC 0.00070.
gnomAD v4.1: 733 of 1,575,774 alleles (0.047%); highest among the groups gnomAD compares: Non-Finnish European, 0.052%; no homozygotes.

Submissions (7):

Labcorp Genetics (formerly Invitae), Labcorp
Classification: Likely benign for Bardet-Biedl syndrome. Last evaluated: 2025-12-18. Review status: criteria provided, single submitter. Criteria: Invitae Variant Classification Sherloc (09022015). Collection method: clinical testing. Allele origin: germline.

PreventionGenetics, part of Exact Sciences
Classification: Likely benign for WDPCP-related condition. Last evaluated: 2025-08-01. Review status: criteria provided, single submitter. Criteria: ACMG Guidelines, 2015. Collection method: clinical testing. Allele origin: germline.
Comment: This variant is classified as likely benign based on ACMG/AMP sequence variant interpretation guidelines (Richards et al. 2015 PMID: 25741868, with internal and published modifications).

Blueprint Genetics
Classification: Likely benign. Last evaluated: 2024-11-21. Review status: criteria provided, single submitter. Criteria: ACMG Guidelines, 2015. Collection method: clinical testing. Allele origin: germline.

Fulgent Genetics
Classification: Likely benign for Heart defect - tongue hamartoma - polysyndactyly syndrome; Bardet-Biedl syndrome 15. Last evaluated: 2024-02-01. Review status: criteria provided, single submitter. Criteria: ACMG Guidelines, 2015. Collection method: clinical testing. Allele origin: germline.

CeGaT Center for Human Genetics Tuebingen
Classification: Likely benign. Last evaluated: 2022-03-01. Review status: criteria provided, single submitter. Criteria: CeGaT Center For Human Genetics Tuebingen Variant Classification Criteria Version 2. Collection method: clinical testing. Allele origin: germline. Affected: yes. Observed: 1 variant allele.
Comment: WDPCP: BP4

Illumina Laboratory Services, Illumina
Classification: Uncertain significance for Bardet-Biedl syndrome 15. Last evaluated: 2018-01-12. Review status: criteria provided, single submitter. Criteria: ICSL Variant Classification Criteria 13 December 2019. Collection method: clinical testing. Allele origin: germline.

DNA-diagnostics Laboratory, Research Centre For Medical Genetics
Classification: Uncertain significance for Bardet-Biedl syndrome 15. Review status: criteria provided, single submitter. Criteria: ACMG Guidelines, 2015. Collection method: clinical testing. Allele origin: germline. Affected: yes.

NM_015910.7(WDPCP):c.220G>C (p.Gly74Arg)

Gene: WDPCP (WD repeat containing planar cell polarity effector; minus strand). Cytogenetic location: 2p15.
Variant type: single nucleotide variant.
Coding change: c.220G>C on transcript NM_015910.7 (MANE Select); coding-DNA position 220, G replaced by C.
Protein change: p.Gly74Arg; replaces glycine 74 with arginine.
Molecular consequence: missense variant. On other transcripts: non-coding transcript variant (2).
Genome position (GRCh38, 1-based): chr2:63,486,575, C>G on the plus strand (G>C on the coding strand, the complement: WDPCP is on the minus strand). VCF-style: chr2-63486575-C-G. GRCh37 (hg19) VCF-style: chr2-63713709-C-G.
Other names: c.148G>C, p.Gly50Arg (NM_001354044.2); c.220G>C, p.Gly74Arg (NM_001354045.2); short protein forms G74R, G50R.
Identifiers: ClinVar variation 695203 (VCV000695203.42), dbSNP rs200170138, ClinGen allele CA1682561.